The following is an entry in ClinVar:

NM_001077350.3(NPRL3):c.121A>G (p.Lys41Glu)

Genes: HBA-LCR (alpha-globin locus control region; plus strand), NPRL3 (NPR3 like, GATOR1 complex subunit; minus strand). Cytogenetic location: 16p13.3.
Variant type: single nucleotide variant.
Coding change: c.121A>G on transcript NM_001077350.3 (MANE Select); coding-DNA position 121, A replaced by G.
Protein change: p.Lys41Glu; replaces lysine 41 with glutamic acid.
Molecular consequence: missense variant. On other transcripts: 5 prime UTR variant (2).
Genome position (GRCh38, 1-based): chr16:130,589, T>C on the plus strand (A>G on the coding strand, the complement: NPRL3 is on the minus strand). VCF-style: chr16-130589-T-C. GRCh37 (hg19) VCF-style: chr16-180588-T-C.
Other names: c.-212A>G (NM_001039476.3); c.-251A>G (NM_001243247.2); c.121A>G, p.Lys41Glu (NM_001243248.2, NM_001243249.2); short protein forms K41E.
Identifiers: ClinVar variation 1056744 (VCV001056744.6), dbSNP rs1299719512, ClinGen allele CA393997948.

ClinVar aggregate classification (germline): Uncertain significance. Review status: criteria provided, multiple submitters, no conflicts (2 of 4 stars). 2 submissions from 2 submitters: Uncertain significance (2). Last evaluated 2021-08-30.

Conditions:
Epilepsy, familial focal, with variable foci 3 (FFEVF3). Identifiers: MedGen C4310708, MONDO:0014925, OMIM 617118.

Allele frequency attached by ClinVar (database versions not stated): TOPMed below 0.00001.

Submissions (2):

Labcorp Genetics (formerly Invitae), Labcorp
Classification: Uncertain significance for Epilepsy, familial focal, with variable foci 3. Last evaluated: 2021-08-30. Review status: criteria provided, single submitter. Criteria: Invitae Variant Classification Sherloc (09022015). Collection method: clinical testing. Allele origin: germline.

GeneDx
Classification: Uncertain significance. Last evaluated: 2019-03-31. Review status: criteria provided, single submitter. Criteria: GeneDx Variant Classification Process June 2021. Collection method: clinical testing. Allele origin: germline. Affected: yes.
Comment: Not observed in large population cohorts (Lek et al., 2016); In silico analysis, which includes protein predictors and evolutionary conservation, supports that this variant does not alter protein structure/function; Has not been previously published as pathogenic or benign to our knowledge